The following is an entry in ClinVar:

ClinVar aggregate classification (germline): Uncertain significance (1 of 4 stars; one submission).

Submission:

Labcorp Genetics (formerly Invitae), Labcorp
Classification: Uncertain significance. Last evaluated: 2022-05-21. Review status: criteria provided, single submitter. Criteria: Invitae Variant Classification Sherloc (09022015). Collection method: clinical testing. Allele origin: germline.
Comment: In summary, the available evidence is currently insufficient to determine the role of this variant in disease. Therefore, it has been classified as a Variant of Uncertain Significance. This sequence change creates a premature translational stop signal (p.Met272Ilefs*7) in the OPN1SW gene. It is expected to result in an absent or disrupted protein product. However, the current clinical and genetic evidence is not sufficient to establish whether loss-of-function variants in OPN1SW cause disease. This variant is not present in population databases (gnomAD no frequency). This variant has not been reported in the literature in individuals affected with OPN1SW-related conditions.

NM_001385125.1(OPN1SW):c.803_806dup (p.Met269fs)

Gene: OPN1SW (opsin 1, short wave sensitive; minus strand). Cytogenetic location: 7q32.1.
Variant type: Duplication.
Coding change: c.803_806dup on transcript NM_001385125.1 (MANE Select); coding-DNA positions 803 to 806, 4 bases duplicated (ACAT; older notation c.803_806dupACAT).
Protein change: p.Met269fs; shifts the reading frame from methionine 269.
Molecular consequence: frameshift variant.
Genome position (GRCh38, 1-based): chr7:128,773,761-128,773,764, ATGT duplicated on the plus strand (ACAT on the coding strand, the reverse complement: OPN1SW is on the minus strand); duplicating any 4 consecutive bases within chr7:128,773,761-128,773,765 gives the same sequence; the c. name uses the placement nearest the transcript's 3' end. VCF-style (leftmost placement, unchanged base first): chr7-128773760-C-CATGT. GRCh37 (hg19) VCF-style: chr7-128413814-C-CATGT.
Other names: short protein forms M269fs.
Identifiers: ClinVar variation 2118086 (VCV002118086.4), dbSNP rs2536289561, ClinGen allele CA2580076518.